The following is an entry in ClinVar:

ClinVar aggregate classification (germline): Uncertain significance. Review status: criteria provided, multiple submitters, no conflicts (2 of 4 stars). 2 submissions from 2 submitters: Uncertain significance (2). Last evaluated 2025-09-08.

Allele frequency attached by ClinVar (database versions not stated): ESP Exome Variant Server 0.00100.
gnomAD v4.1: 1,055 of 1,601,772 alleles (0.066%); highest among the groups gnomAD compares: Non-Finnish European, 0.082%; no homozygotes.

Submissions (2):

Labcorp Genetics (formerly Invitae), Labcorp
Classification: Uncertain significance. Last evaluated: 2025-09-08. Review status: criteria provided, single submitter. Criteria: Invitae Variant Classification Sherloc (09022015). Collection method: clinical testing. Allele origin: germline.
Comment: This sequence change replaces glycine, which is neutral and non-polar, with alanine, which is neutral and non-polar, at codon 207 of the LSS protein (p.Gly207Ala). This variant is present in population databases (rs149486257, gnomAD 0.06%). This variant has not been reported in the literature in individuals affected with LSS-related conditions. ClinVar contains an entry for this variant (Variation ID: 1310024). An algorithm developed to predict the effect of missense changes on protein structure and function (PolyPhen-2) suggests that this variant is likely to be disruptive. In summary, the available evidence is currently insufficient to determine the role of this variant in disease. Therefore, it has been classified as a Variant of Uncertain Significance.

GeneDx
Classification: Uncertain significance. Last evaluated: 2024-08-09. Review status: criteria provided, single submitter. Criteria: GeneDx Variant Classification Process June 2021. Collection method: clinical testing. Allele origin: germline. Affected: yes.
Comment: In silico analysis supports that this missense variant has a deleterious effect on protein structure/function; Has not been previously published as pathogenic or benign to our knowledge

NM_002340.6(LSS):c.620G>C (p.Gly207Ala)

Gene: LSS (lanosterol synthase; minus strand). Cytogenetic location: 21q22.3.
Variant type: single nucleotide variant.
Coding change: c.620G>C on transcript NM_002340.6 (MANE Select); coding-DNA position 620, G replaced by C.
Protein change: p.Gly207Ala; replaces glycine 207 with alanine.
Molecular consequence: missense variant.
Genome position (GRCh38, 1-based): chr21:46,219,503, C>G on the plus strand (G>C on the coding strand, the complement: LSS is on the minus strand). VCF-style: chr21-46219503-C-G. GRCh37 (hg19) VCF-style: chr21-47639417-C-G.
Other names: c.620G>C, p.Gly207Ala (NM_001001438.3); c.587G>C, p.Gly196Ala (NM_001145436.2); c.380G>C, p.Gly127Ala (NM_001145437.2); short protein forms G127A, G196A, G207A.
Identifiers: ClinVar variation 1310024 (VCV001310024.7), dbSNP rs149486257, ClinGen allele CA10075411.